The following is an entry in ClinVar:

NM_000350.3(ABCA4):c.3146_3147del (p.Thr1049fs)

Gene: ABCA4 (ATP binding cassette subfamily A member 4; minus strand). Cytogenetic location: 1p22.1.
Variant type: Microsatellite.
Coding change: c.3146_3147del on transcript NM_000350.3 (MANE Select); coding-DNA positions 3146 to 3147, 2 bases deleted (CA; older notation c.3146_3147delCA).
Protein change: p.Thr1049fs; shifts the reading frame from threonine 1049.
Molecular consequence: frameshift variant.
Genome position (GRCh38, 1-based): chr1:94,043,379-94,043,380, TG deleted on the plus strand (CA on the coding strand, the reverse complement: ABCA4 is on the minus strand); deleting any 2 consecutive bases within chr1:94,043,379-94,043,383 gives the same sequence; the c. name uses the placement nearest the transcript's 3' end. VCF-style (leftmost placement, unchanged base first): chr1-94043378-CTG-C. GRCh37 (hg19) VCF-style: chr1-94508934-CTG-C.
Other names: c.2921_2922AC[1], p.Thr975Argfs (NM_001425324.1); short protein forms T1049fs.
Identifiers: ClinVar variation 2754935 (VCV002754935.3), dbSNP rs1660573507, ClinGen allele CA1181420884.

ClinVar aggregate classification (germline): Pathogenic (1 of 4 stars; one submission).

Submission:

Labcorp Genetics (formerly Invitae), Labcorp
Classification: Pathogenic. Last evaluated: 2023-05-31. Review status: criteria provided, single submitter. Criteria: Invitae Variant Classification Sherloc (09022015). Collection method: clinical testing. Allele origin: germline.
Comment: For these reasons, this variant has been classified as Pathogenic. This variant has not been reported in the literature in individuals affected with ABCA4-related conditions. This variant is not present in population databases (gnomAD no frequency). This sequence change creates a premature translational stop signal (p.Thr1049Argfs*8) in the ABCA4 gene. It is expected to result in an absent or disrupted protein product. Loss-of-function variants in ABCA4 are known to be pathogenic (PMID: 10958761, 24938718, 25312043, 26780318).

Literature cited by the submitters: PubMed 10958761; PubMed 24938718; PubMed 25312043; PubMed 26780318.